The following is an entry in ClinVar:

ClinVar aggregate classification (germline): Uncertain significance (1 of 4 stars; one submission).

gnomAD v4.1: 1 of 1,614,096 alleles (0.000062%); highest among the groups gnomAD compares: African/African-American, 0.0013%; no homozygotes.

Submission:

GeneDx
Classification: Uncertain significance. Last evaluated: 2024-09-20. Review status: criteria provided, single submitter. Criteria: GeneDx Variant Classification Process June 2021. Collection method: clinical testing. Allele origin: germline. Affected: yes.
Comment: Not observed at significant frequency in large population cohorts (gnomAD); In silico analysis supports that this missense variant has a deleterious effect on protein structure/function; Has not been previously published as pathogenic or benign to our knowledge

NM_004974.4(KCNA2):c.720G>T (p.Arg240Ser)

Gene: KCNA2 (potassium voltage-gated channel subfamily A member 2; minus strand). Cytogenetic location: 1p13.3.
Variant type: single nucleotide variant.
Coding change: c.720G>T on transcript NM_004974.4 (MANE Select); coding-DNA position 720, G replaced by T.
Protein change: p.Arg240Ser; replaces arginine 240 with serine.
Molecular consequence: missense variant.
Genome position (GRCh38, 1-based): chr1:110,604,063, C>A on the plus strand (G>T on the coding strand, the complement: KCNA2 is on the minus strand). VCF-style: chr1-110604063-C-A. GRCh37 (hg19) VCF-style: chr1-111146685-C-A.
Other names: c.720G>T, p.Arg240Ser (NM_001204269.2); short protein forms R240S.
Identifiers: ClinVar variation 3774254 (VCV003774254.1).